The following is an entry in ClinVar:

ClinVar aggregate classification (germline): Uncertain significance. Review status: criteria provided, multiple submitters, no conflicts (2 of 4 stars). 3 submissions from 3 submitters: Uncertain significance (3). Last evaluated 2024-02-24.

Conditions:
Hereditary cancer-predisposing syndrome. Also called: Hereditary Cancer Syndrome; Tumor predisposition; Hereditary neoplastic syndrome; Neoplastic Syndromes, Hereditary. Identifiers: Orphanet 140162, MedGen C0027672, MeSH D009386, MONDO:0015356.
BAP1-related tumor predisposition syndrome (TPDS1). Also called: Tumor susceptibility linked to germline BAP1 mutations; COMMON Syndrome; TUMOR PREDISPOSITION SYNDROME 1; BAP1 tumor predisposition syndrome. Identifiers: Orphanet 289539, MedGen C3280492, MONDO:0013692, OMIM 614327.

Allele frequency attached by ClinVar (database versions not stated): gnomAD exomes below 0.00001.
gnomAD v4.1: 1 of 1,592,000 alleles (0.000063%); highest among the groups gnomAD compares: East Asian, 0.0023%; no homozygotes.

Submissions (3):

Ambry Genetics
Classification: Uncertain significance for Hereditary cancer-predisposing syndrome. Last evaluated: 2024-02-24. Review status: criteria provided, single submitter. Criteria: Ambry Variant Classification Scheme 2023. Collection method: clinical testing. Allele origin: germline.
Comment: The p.D716H variant (also known as c.2146G>C), located in coding exon 17 of the BAP1 gene, results from a G to C substitution at nucleotide position 2146. The aspartic acid at codon 716 is replaced by histidine, an amino acid with similar properties. This amino acid position is conserved. In addition, the in silico prediction for this alteration is inconclusive. Based on the available evidence, the clinical significance of this alteration remains unclear.

Color Diagnostics, LLC DBA Color Health
Classification: Uncertain significance for Hereditary cancer-predisposing syndrome. Last evaluated: 2023-12-27. Review status: criteria provided, single submitter. Criteria: ACMG Guidelines, 2015. Collection method: clinical testing. Allele origin: germline.
Comment: This missense variant replaces aspartic acid with histidine at codon 716 of the BAP1 protein. Computational prediction suggests that this variant may not impact protein structure and function (internally defined REVEL score threshold <= 0.5, PMID: 27666373). To our knowledge, functional studies have not been reported for this variant. This variant has not been reported in individuals affected with BAP1-related disorders in the literature. This variant has not been identified in the general population by the Genome Aggregation Database (gnomAD). The available evidence is insufficient to determine the role of this variant in disease conclusively. Therefore, this variant is classified as a Variant of Uncertain Significance.

Labcorp Genetics (formerly Invitae), Labcorp
Classification: Uncertain significance for BAP1-related tumor predisposition syndrome. Last evaluated: 2022-07-25. Review status: criteria provided, single submitter. Criteria: Invitae Variant Classification Sherloc (09022015). Collection method: clinical testing. Allele origin: germline.
Comment: This sequence change replaces aspartic acid, which is acidic and polar, with histidine, which is basic and polar, at codon 716 of the BAP1 protein (p.Asp716His). This variant is not present in population databases (gnomAD no frequency). In summary, the available evidence is currently insufficient to determine the role of this variant in disease. Therefore, it has been classified as a Variant of Uncertain Significance. Algorithms developed to predict the effect of missense changes on protein structure and function are either unavailable or do not agree on the potential impact of this missense change (SIFT: "Deleterious"; PolyPhen-2: "Probably Damaging"; Align-GVGD: "Class C0"). ClinVar contains an entry for this variant (Variation ID: 1044088). This variant has not been reported in the literature in individuals affected with BAP1-related conditions.

NM_004656.4(BAP1):c.2146G>C (p.Asp716His)

Gene: BAP1 (BRCA1 associated deubiquitinase 1; minus strand). Cytogenetic location: 3p21.1.
Variant type: single nucleotide variant.
Coding change: c.2146G>C on transcript NM_004656.4 (MANE Select); coding-DNA position 2146, G replaced by C.
Protein change: p.Asp716His; replaces aspartic acid 716 with histidine.
Molecular consequence: missense variant.
Genome position (GRCh38, 1-based): chr3:52,402,332, C>G on the plus strand (G>C on the coding strand, the complement: BAP1 is on the minus strand). VCF-style: chr3-52402332-C-G. GRCh37 (hg19) VCF-style: chr3-52436348-C-G.
Other names: c.2146G>C (NM_004656.2); short protein forms D716H.
Identifiers: ClinVar variation 1044088 (VCV001044088.7), dbSNP rs1704982728, ClinGen allele CA353094122.